The following is an entry in ClinVar:

NM_001033855.3(DCLRE1C):c.499A>G (p.Thr167Ala)

Gene: DCLRE1C (DNA cross-link repair 1C; minus strand). Cytogenetic location: 10p13.
Variant type: single nucleotide variant.
Coding change: c.499A>G on transcript NM_001033855.3 (MANE Select); coding-DNA position 499, A replaced by G.
Protein change: p.Thr167Ala; replaces threonine 167 with alanine.
Molecular consequence: missense variant. On other transcripts: non-coding transcript variant (4).
Genome position (GRCh38, 1-based): chr10:14,934,741, T>C on the plus strand (A>G on the coding strand, the complement: DCLRE1C is on the minus strand). VCF-style: chr10-14934741-T-C. GRCh37 (hg19) VCF-style: chr10-14976740-T-C.
Other names: c.139A>G, p.Thr47Ala (NM_001033857.3, NM_001033858.3, NM_001289077.2 and 2 more transcripts); c.154A>G, p.Thr52Ala (NM_001289076.2, NM_001289078.2, NM_001350966.2 and 1 more transcripts); c.499A>G, p.Thr167Ala (NM_001350965.2); short protein forms T167A, T47A, T52A.
Identifiers: ClinVar variation 1376057 (VCV001376057.8), dbSNP rs2130943678, ClinGen allele CA376059935.

ClinVar aggregate classification (germline): Uncertain significance (1 of 4 stars; one submission).

Conditions:
Severe combined immunodeficiency due to DCLRE1C deficiency (RS-SCID). Also called: SCID, AUTOSOMAL RECESSIVE, T CELL-NEGATIVE, B CELL-NEGATIVE, NK CELL-POSITIVE, WITH SENSITIVITY TO IONIZING RADIATION. Identifiers: Orphanet 275, MedGen C1865371, MONDO:0011225, OMIM 602450.

Submission:

Labcorp Genetics (formerly Invitae), Labcorp
Classification: Uncertain significance for Athabaskan severe combined immunodeficiency. Last evaluated: 2024-10-23. Review status: criteria provided, single submitter. Criteria: Invitae Variant Classification Sherloc (09022015). Collection method: clinical testing. Allele origin: germline.
Comment: This sequence change replaces threonine, which is neutral and polar, with alanine, which is neutral and non-polar, at codon 167 of the DCLRE1C protein (p.Thr167Ala). This variant is not present in population databases (gnomAD no frequency). This variant has not been reported in the literature in individuals affected with DCLRE1C-related conditions. ClinVar contains an entry for this variant (Variation ID: 1376057). Invitae Evidence Modeling of protein sequence and biophysical properties (such as structural, functional, and spatial information, amino acid conservation, physicochemical variation, residue mobility, and thermodynamic stability) has been performed for this missense variant. However, the output from this modeling did not meet the statistical confidence thresholds required to predict the impact of this variant on DCLRE1C protein function. In summary, the available evidence is currently insufficient to determine the role of this variant in disease. Therefore, it has been classified as a Variant of Uncertain Significance.